The following is an entry in ClinVar:

ClinVar aggregate classification (germline): Uncertain significance. Review status: criteria provided, multiple submitters, no conflicts (2 of 4 stars). 2 submissions from 2 submitters: Uncertain significance (2). Last evaluated 2025-02-18.

Conditions:
Inborn genetic diseases. Identifiers: MedGen C0950123, MeSH D030342.
COG7 congenital disorder of glycosylation (CDG2E). Also called: CDG IIe; CONGENITAL DISORDER OF GLYCOSYLATION, TYPE IIe. Identifiers: Orphanet 79333, MedGen C2931010, MONDO:0012118, OMIM 608779.

Allele frequency attached by ClinVar (database versions not stated): gnomAD exomes below 0.00001; TOPMed below 0.00001; ExAC 0.00002.
gnomAD v4.1: 1 of 1,612,728 alleles (0.000062%); highest among the groups gnomAD compares: Non-Finnish European, 0.000085%; no homozygotes.

Submissions (2):

Ambry Genetics
Classification: Uncertain significance for Inborn genetic diseases. Last evaluated: 2025-02-18. Review status: criteria provided, single submitter. Criteria: Ambry Variant Classification Scheme 2023. Collection method: clinical testing. Allele origin: germline.

Labcorp Genetics (formerly Invitae), Labcorp
Classification: Uncertain significance for COG7 congenital disorder of glycosylation. Last evaluated: 2023-08-10. Review status: criteria provided, single submitter. Criteria: Invitae Variant Classification Sherloc (09022015). Collection method: clinical testing. Allele origin: germline.
Comment: This sequence change replaces aspartic acid, which is acidic and polar, with glutamic acid, which is acidic and polar, at codon 146 of the COG7 protein (p.Asp146Glu). This variant is present in population databases (rs754017623, gnomAD 0.002%). This variant has not been reported in the literature in individuals affected with COG7-related conditions. ClinVar contains an entry for this variant (Variation ID: 2184930). An algorithm developed to predict the effect of missense changes on protein structure and function (PolyPhen-2) suggests that this variant is likely to be disruptive. In summary, the available evidence is currently insufficient to determine the role of this variant in disease. Therefore, it has been classified as a Variant of Uncertain Significance.

NM_153603.4(COG7):c.438C>G (p.Asp146Glu)

Gene: COG7 (component of oligomeric golgi complex 7; minus strand). Cytogenetic location: 16p12.2.
Variant type: single nucleotide variant.
Coding change: c.438C>G on transcript NM_153603.4 (MANE Select); coding-DNA position 438, C replaced by G.
Protein change: p.Asp146Glu; replaces aspartic acid 146 with glutamic acid.
Molecular consequence: missense variant.
Genome position (GRCh38, 1-based): chr16:23,442,643, G>C on the plus strand (C>G on the coding strand, the complement: COG7 is on the minus strand). VCF-style: chr16-23442643-G-C. GRCh37 (hg19) VCF-style: chr16-23453964-G-C.
Other names: c.438C>G (NM_153603.3); short protein forms D146E.
Identifiers: ClinVar variation 2184930 (VCV002184930.5), dbSNP rs754017623, ClinGen allele CA7961292.